The following is an entry in ClinVar:

ClinVar aggregate classification (germline): Likely benign (0 of 4 stars; one submission).

Conditions:
DMXL1-related disorder. Also called: DMXL1-related condition.

Allele frequency attached by ClinVar (database versions not stated): 1000 Genomes Project 0.00040; 1000 Genomes Project 30x 0.00047; TOPMed 0.00088; gnomAD 0.00092; ESP Exome Variant Server 0.00115.
gnomAD v4.1: 256 of 1,613,832 alleles (0.016%); highest among the groups gnomAD compares: African/African-American, 0.3%; 1 homozygote.

Submission:

PreventionGenetics, part of Exact Sciences
Classification: Likely benign for DMXL1-related condition. Last evaluated: 2022-04-20. Review status: no assertion criteria provided. Collection method: clinical testing. Allele origin: germline.
Comment: This variant is classified as likely benign based on ACMG/AMP sequence variant interpretation guidelines (Richards et al. 2015 PMID: 25741868, with internal and published modifications).

NM_001290321.3(DMXL1):c.3804G>A (p.Gln1268=)

Gene: DMXL1 (Dmx like 1; plus strand). Cytogenetic location: 5q23.1.
Variant type: single nucleotide variant.
Coding change: c.3804G>A on transcript NM_001290321.3 (MANE Select); coding-DNA position 3804, G replaced by A.
Protein change: p.Gln1268=; no amino-acid change (glutamine 1268 retained).
Molecular consequence: synonymous variant. On other transcripts: non-coding transcript variant (3).
Genome position (GRCh38, 1-based): chr5:119,149,631, G>A. VCF-style: chr5-119149631-G-A. GRCh37 (hg19) VCF-style: chr5-118485326-G-A.
Other names: c.3804G>A, p.Gln1268= (NM_001349239.2, NM_001349240.2, NM_001387933.1 and 2 more transcripts); c.3099G>A, p.Gln1033= (NM_001387937.1); c.2817G>A, p.Gln939= (NM_001387938.1).
Identifiers: ClinVar variation 3038010 (VCV003038010.2), dbSNP rs144527812, ClinGen allele CA3380013.
Genomic context (GRCh38, chr5:119,149,631, plus strand): 5'-ACCTGTTATAACAGATTCGTACAGTGGGAGCACTCCATCTATAACAAGTTTAATAAAACA[G>A]AGTAACTCCAGTTCTGGGTTACATCCTCCAAAGAAAACTCTGACTCGATCCATGACCAGT-3'
Protein context (NP_001277250.1, residues 1258-1278): STPSITSLIK[Gln1268=]SNSSSGLHPP